The following is an entry in ClinVar:

NM_006445.4(PRPF8):c.1075A>G (p.Ile359Val)

Gene: PRPF8 (pre-mRNA processing factor 8; minus strand). Cytogenetic location: 17p13.3.
Variant type: single nucleotide variant.
Coding change: c.1075A>G on transcript NM_006445.4 (MANE Select); coding-DNA position 1075, A replaced by G.
Protein change: p.Ile359Val; replaces isoleucine 359 with valine.
Molecular consequence: missense variant.
Genome position (GRCh38, 1-based): chr17:1,680,749, T>C on the plus strand (A>G on the coding strand, the complement: PRPF8 is on the minus strand). VCF-style: chr17-1680749-T-C. GRCh37 (hg19) VCF-style: chr17-1584043-T-C.
Other names: c.1075A>G (NM_006445.3); short protein forms I359V.
Identifiers: ClinVar variation 1039577 (VCV001039577.7), dbSNP rs762565821, ClinGen allele CA8272467.

ClinVar aggregate classification (germline): Uncertain significance. Review status: criteria provided, multiple submitters, no conflicts (2 of 4 stars). 2 submissions from 2 submitters: Uncertain significance (2). Last evaluated 2024-07-06.

Conditions:
Inborn genetic diseases. Identifiers: MedGen C0950123, MeSH D030342.

Allele frequency attached by ClinVar (database versions not stated): TOPMed 0.00001; ExAC 0.00002; gnomAD 0.00002; gnomAD exomes 0.00002.
gnomAD v4.1: 39 of 1,613,192 alleles (0.0024%); highest among the groups gnomAD compares: African/African-American, 0.004%; no homozygotes.

Submissions (3):

Labcorp Genetics (formerly Invitae), Labcorp
Classification: Uncertain significance. Last evaluated: 2024-07-06. Review status: criteria provided, single submitter. Criteria: Invitae Variant Classification Sherloc (09022015). Collection method: clinical testing. Allele origin: germline.
Comment: This sequence change replaces isoleucine, which is neutral and non-polar, with valine, which is neutral and non-polar, at codon 359 of the PRPF8 protein (p.Ile359Val). This variant is present in population databases (rs762565821, gnomAD 0.008%). This variant has not been reported in the literature in individuals affected with PRPF8-related conditions. ClinVar contains an entry for this variant (Variation ID: 1039577). Advanced modeling of protein sequence and biophysical properties (such as structural, functional, and spatial information, amino acid conservation, physicochemical variation, residue mobility, and thermodynamic stability) performed at Invitae indicates that this missense variant is not expected to disrupt PRPF8 protein function with a negative predictive value of 80%. In summary, the available evidence is currently insufficient to determine the role of this variant in disease. Therefore, it has been classified as a Variant of Uncertain Significance.

Ambry Genetics
Classification: Uncertain significance for Inborn genetic diseases. Last evaluated: 2024-06-10. Review status: criteria provided, single submitter. Criteria: Ambry Variant Classification Scheme 2023. Collection method: clinical testing. Allele origin: germline.

Dr. Peter K. Rogan Lab, Western University
No classification provided (evidence only). Condition: Familial cancer of breast. Review status: no classification provided. Collection method: in vitro. Allele origin: not applicable. Functional consequence: retained intron. Not counted in ClinVar's aggregate classification.